The following is an entry in ClinVar:

NM_001127222.2(CACNA1A):c.6160G>A (p.Asp2054Asn)

Gene: CACNA1A (calcium voltage-gated channel subunit alpha1 A; minus strand). Cytogenetic location: 19p13.13.
Variant type: single nucleotide variant.
Coding change: c.6160G>A on transcript NM_001127222.2 (MANE Select); coding-DNA position 6160, G replaced by A.
Protein change: p.Asp2054Asn; replaces aspartic acid 2054 with asparagine.
Molecular consequence: missense variant.
Genome position (GRCh38, 1-based): chr19:13,212,413, C>T on the plus strand (G>A on the coding strand, the complement: CACNA1A is on the minus strand). VCF-style: chr19-13212413-C-T. GRCh37 (hg19) VCF-style: chr19-13323227-C-T.
Other names: c.6178G>A, p.Asp2060Asn (NM_000068.4, NM_023035.3); c.6163G>A, p.Asp2055Asn (NM_001127221.2); c.6169G>A, p.Asp2057Asn (NM_001174080.2); short protein forms D2055N, D2057N, D2054N, D2060N.
Identifiers: ClinVar variation 386310 (VCV000386310.17), dbSNP rs761560224, ClinGen allele CA9239460.

ClinVar aggregate classification (germline): Conflicting classifications of pathogenicity. Review status: criteria provided, conflicting classifications (1 of 4 stars). 4 submissions from 4 submitters: Uncertain significance (2); Likely benign (2). Last evaluated 2025-12-21.

Conditions:
Inborn genetic diseases. Identifiers: MedGen C0950123, MeSH D030342.
Episodic ataxia type 2 (EA2). Also called: ATAXIA, EPISODIC, WITH NYSTAGMUS; ATAXIA, FAMILIAL PAROXYSMAL; CEREBELLAR ATAXIA, PAROXYSMAL, ACETAZOLAMIDE-RESPONSIVE; CEREBELLOPATHY, HEREDITARY PAROXYSMAL; ACETAZOLAMIDE-RESPONSIVE HEREDITARY PAROXYSMAL CEREBELLAR ATAXIA; EPISODIC ATAXIA, NYSTAGMUS-ASSOCIATED. Identifiers: Orphanet 97, MedGen C1720416, MONDO:0007163, OMIM 108500.
Developmental and epileptic encephalopathy, 42 (DEE42A). Also called: DEVELOPMENTAL AND EPILEPTIC ENCEPHALOPATHY 42A; EPILEPTIC ENCEPHALOPATHY, EARLY INFANTILE, 42A; Epileptic encephalopathy, early infantile, 42. Identifiers: MedGen C4310716, MONDO:0014917, OMIM 617106.

Allele frequency attached by ClinVar (database versions not stated): gnomAD 0.00003 and 0.00004; gnomAD exomes 0.00003 and 0.00006; TOPMed 0.00004; ExAC 0.00007.
gnomAD v4.1: 45 of 1,613,276 alleles (0.0028%); highest among the groups gnomAD compares: South Asian, 0.013%; no homozygotes.

Submissions (4):

Labcorp Genetics (formerly Invitae), Labcorp
Classification: Likely benign for Developmental and epileptic encephalopathy, 42; Episodic ataxia type 2. Last evaluated: 2025-12-21. Review status: criteria provided, single submitter. Criteria: Invitae Variant Classification Sherloc (09022015). Collection method: clinical testing. Allele origin: germline.

Women's Health and Genetics/Laboratory Corporation of America, LabCorp
Classification: Uncertain significance. Last evaluated: 2025-07-22. Review status: criteria provided, single submitter. Criteria: LabCorp Variant Classification Summary - May 2015. Collection method: clinical testing. Allele origin: germline.
Comment: Variant summary: CACNA1A c.6163G>A (p.Asp2055Asn) results in a conservative amino acid change in the encoded protein sequence. Algorithms developed to predict the effect of missense changes on protein structure and function are either unavailable or do not agree on the potential impact of this missense change. The variant allele was found at a frequency of 6.1e-05 in 246538 control chromosomes. This frequency is not significantly higher than estimated for a pathogenic variant in CACNA1A causing Epileptic Encephalopathy, Early Infantile, 42, allowing no conclusion about variant significance. To our knowledge, no occurrence of c.6163G>A in individuals affected with Epileptic Encephalopathy, Early Infantile, 42 and no experimental evidence demonstrating its impact on protein function have been reported. ClinVar contains an entry for this variant (Variation ID: 386310). Based on the evidence outlined above, the variant was classified as uncertain significance.

GeneDx
Classification: Uncertain significance. Last evaluated: 2025-01-25. Review status: criteria provided, single submitter. Criteria: GeneDx Variant Classification Process June 2021. Collection method: clinical testing. Allele origin: germline. Affected: yes.
Comment: In silico analysis supports that this missense variant has a deleterious effect on protein structure/function; Has not been previously published as pathogenic or benign to our knowledge

Ambry Genetics
Classification: Likely benign for Inborn genetic diseases. Last evaluated: 2024-10-12. Review status: criteria provided, single submitter. Criteria: Ambry Variant Classification Scheme 2023. Collection method: clinical testing. Allele origin: germline.